The following is an entry in ClinVar:

ClinVar aggregate classification (germline): Uncertain significance (1 of 4 stars; one submission).

Conditions:
Charcot-Marie-Tooth disease type 4. Also called: Charcot-Marie-Tooth, Type 4; Charcot-Marie-Tooth disease, type IV. Identifiers: Orphanet 64749, MedGen C4082197, MONDO:0018995.

Submission:

Labcorp Genetics (formerly Invitae), Labcorp
Classification: Uncertain significance for Charcot-Marie-Tooth disease type 4. Last evaluated: 2021-09-01. Review status: criteria provided, single submitter. Criteria: Invitae Variant Classification Sherloc (09022015). Collection method: clinical testing. Allele origin: germline.
Comment: This sequence change replaces proline with arginine at codon 1264 of the SH3TC2 protein (p.Pro1264Arg). The proline residue is highly conserved and there is a moderate physicochemical difference between proline and arginine. This variant is not present in population databases (ExAC no frequency). This variant has not been reported in the literature in individuals affected with SH3TC2-related conditions. Algorithms developed to predict the effect of missense changes on protein structure and function (SIFT, PolyPhen-2, Align-GVGD) all suggest that this variant is likely to be disruptive. In summary, the available evidence is currently insufficient to determine the role of this variant in disease. Therefore, it has been classified as a Variant of Uncertain Significance.

NM_024577.4(SH3TC2):c.3791C>G (p.Pro1264Arg)

Gene: SH3TC2 (SH3 domain and tetratricopeptide repeats 2; minus strand). Cytogenetic location: 5q32.
Variant type: single nucleotide variant.
Coding change: c.3791C>G on transcript NM_024577.4 (MANE Select); coding-DNA position 3791, C replaced by G.
Protein change: p.Pro1264Arg; replaces proline 1264 with arginine.
Molecular consequence: missense variant.
Genome position (GRCh38, 1-based): chr5:149,004,787, G>C on the plus strand (C>G on the coding strand, the complement: SH3TC2 is on the minus strand). VCF-style: chr5-149004787-G-C. GRCh37 (hg19) VCF-style: chr5-148384350-G-C.
Other names: short protein forms P1264R.
Identifiers: ClinVar variation 1046509 (VCV001046509.6), dbSNP rs1753657395, ClinGen allele CA361663364.